The following is an entry in ClinVar:

ClinVar aggregate classification (germline): Pathogenic (1 of 4 stars; one submission).

Conditions:
Charcot-Marie-Tooth disease axonal type 2P. Also called: CHARCOT-MARIE-TOOTH NEUROPATHY, TYPE 2P; Charcot-Marie-Tooth Neuropathy Type 2G; CHARCOT-MARIE-TOOTH DISEASE, AXONAL, TYPE 2G; CMT 2G. Identifiers: Orphanet 300319, Orphanet 99941, MedGen C3280797, MONDO:0013753, OMIM 614436.

Submission:

Labcorp Genetics (formerly Invitae), Labcorp
Classification: Pathogenic for Charcot-Marie-Tooth disease axonal type 2P. Last evaluated: 2019-10-15. Review status: criteria provided, single submitter. Criteria: Invitae Variant Classification Sherloc (09022015). Collection method: clinical testing. Allele origin: germline.
Comment: For these reasons, this variant has been classified as Pathogenic. Loss-of-function variants in LRSAM1 are known to be pathogenic (PMID: 20865121). This variant has not been reported in the literature in individuals with LRSAM1-related conditions. This variant is not present in population databases (ExAC no frequency). This sequence change creates a premature translational stop signal (p.Ser37Leufs*24) in the LRSAM1 gene. It is expected to result in an absent or disrupted protein product.

Literature cited by the submitters: PubMed 20865121.

NM_001005373.4(LRSAM1):c.109del (p.Ser37fs)

Gene: LRSAM1 (leucine rich repeat and sterile alpha motif containing 1; plus strand). Cytogenetic location: 9q33.3.
Variant type: Deletion.
Coding change: c.109del on transcript NM_001005373.4 (MANE Select); coding-DNA position 109, one base deleted (T; older notation c.109delT).
Protein change: p.Ser37fs; shifts the reading frame from serine 37.
Molecular consequence: frameshift variant. On other transcripts: 5 prime UTR variant (1), non-coding transcript variant (2).
Genome position (GRCh38, 1-based): chr9:127,455,034, T deleted. VCF-style (leftmost placement, unchanged base first): chr9-127455033-CT-C. GRCh37 (hg19) VCF-style: chr9-130217312-CT-C.
Other names: c.109del, p.Ser37fs (NM_001005374.4, NM_001190723.3, NM_001384142.1 and 2 more transcripts); c.-676del (NM_001384144.1); short protein forms S37fs.
Identifiers: ClinVar variation 969216 (VCV000969216.8), dbSNP rs1834464693, ClinGen allele CA1139661174.
Genomic context (GRCh38, chr9:127,455,033, plus strand): 5'-TTTTAAAAATTCTTTTTATCCTTAGGCAAAAGAAGCTGGGGCAGATGACATTCTCGACAT[CT>C]CTAAATGTGAGCTCTCAGAGGTAAACTGAGGATAGTGTTGGGCTGTGAATTGGATCTGTC-3'